The following is an entry in ClinVar:

ClinVar aggregate classification (germline): Uncertain significance (0 of 4 stars; one submission).

Conditions:
HOXA11-related disorder. Also called: HOXA11-related condition.

Allele frequency attached by ClinVar (database versions not stated): TOPMed 0.00001.

Submission:

PreventionGenetics, part of Exact Sciences
Classification: Uncertain significance for HOXA11-related condition. Last evaluated: 2024-01-23. Review status: no assertion criteria provided. Collection method: clinical testing. Allele origin: germline.
Comment: The HOXA11 c.149A>G variant is predicted to result in the amino acid substitution p.Asn50Ser. To our knowledge, this variant has not been reported in the literature or in a large population database, indicating this variant is rare. At this time, the clinical significance of this variant is uncertain due to the absence of conclusive functional and genetic evidence.

NM_005523.6(HOXA11):c.149A>G (p.Asn50Ser)

Genes: HOXA11 (homeobox A11; minus strand), LOC107126281 (NUP98-HOXA11 recombination region; plus strand). Cytogenetic location: 7p15.2.
Variant type: single nucleotide variant.
Coding change: c.149A>G on transcript NM_005523.6 (MANE Select); coding-DNA position 149, A replaced by G.
Protein change: p.Asn50Ser; replaces asparagine 50 with serine.
Molecular consequence: missense variant.
Genome position (GRCh38, 1-based): chr7:27,184,996, T>C on the plus strand (A>G on the coding strand, the complement: HOXA11 is on the minus strand). VCF-style: chr7-27184996-T-C. GRCh37 (hg19) VCF-style: chr7-27224615-T-C.
Other names: short protein forms N50S.
Identifiers: ClinVar variation 3055737 (VCV003055737.2), dbSNP rs1262283120, ClinGen allele CA367107467.